The following is an entry in ClinVar:

ClinVar aggregate classification (germline): Uncertain significance (1 of 4 stars; one submission).

Conditions:
Developmental and epileptic encephalopathy, 1 (DEE1). Also called: Epileptic encephalopathy, early infantile, 1; X-linked infantile spasms; West's syndrome; Tonic spasms with clustering, arrest of psychomotor development and hypsarrhythmia on EEG; X-Linked Infantile Spasm Syndrome; OHTAHARA SYNDROME, X-LINKED. Identifiers: MedGen C3463992, MONDO:0010632, OMIM 308350. Disease mechanism: loss of function.
Autosomal recessive spinocerebellar ataxia 12. Also called: SPINOCEREBELLAR ATAXIA WITH MENTAL RETARDATION AND EPILEPSY. Identifiers: Orphanet 284282, MedGen C3280452, MONDO:0013687, OMIM 614322.

Submission:

Labcorp Genetics (formerly Invitae), Labcorp
Classification: Uncertain significance for Epileptic encephalopathy, early infantile, 1; Spinocerebellar ataxia, autosomal recessive 12. Last evaluated: 2018-10-01. Review status: criteria provided, single submitter. Criteria: Invitae Variant Classification Sherloc (09022015). Collection method: clinical testing. Allele origin: germline.
Comment: This variant is an in-frame deletion of the genomic region encompassing exons 6-8 of the WWOX gene. It preserves the integrity of the reading frame. This variant has not been reported in the literature in individuals with WWOX-related disease. Experimental studies and prediction algorithms are not available for this variant, and the functional significance of the deleted amino acids is currently unknown. In summary, the available evidence is currently insufficient to determine the role of this variant in disease. Therefore, it has been classified as a Variant of Uncertain Significance.

NC_000016.9:g.(?_78312480)_(78658393_?)dup

Genes: WWOX (WW domain containing oxidoreductase; plus strand), LOC132090432 (Neanderthal introgressed variant-containing enhancer experimental_46172; plus strand), LOC132090433 (Neanderthal introgressed variant-containing enhancer experimental_46191; plus strand), LOC132090435 (Neanderthal introgressed variant-containing enhancer experimental_46257; plus strand), LOC132090434 (Neanderthal introgressed variant-containing enhancer experimental_46196; plus strand) and 3 more. Cytogenetic location: 16q23.1.
Variant type: Duplication.
Identifiers: ClinVar variation 662278 (VCV000662278.1).